The following is an entry in ClinVar:

NM_203447.4(DOCK8):c.3436A>G (p.Met1146Val)

Gene: DOCK8 (dedicator of cytokinesis 8; plus strand). Cytogenetic location: 9p24.3.
Variant type: single nucleotide variant.
Coding change: c.3436A>G on transcript NM_203447.4 (MANE Select); coding-DNA position 3436, A replaced by G.
Protein change: p.Met1146Val; replaces methionine 1146 with valine.
Molecular consequence: missense variant.
Genome position (GRCh38, 1-based): chr9:406,975, A>G. VCF-style: chr9-406975-A-G. GRCh37 (hg19) VCF-style: chr9-406975-A-G.
Other names: c.3136A>G, p.Met1046Val (NM_001190458.2); c.3232A>G, p.Met1078Val (NM_001193536.2); short protein forms M1046V, M1078V, M1146V.
Identifiers: ClinVar variation 3692892 (VCV003692892.2).
Genomic context (GRCh38, chr9:406,975, plus strand): 5'-CTTACGTTTCTGTAGAACTCAAGCTCCTGCTCCAGCTTCCAGGACCAGAAGATCGCCAGC[A>G]TGTTCGATCTGACTTCCGAGTACCGCCAGCAGCACTTCCTCACCGGGCTCCTCTTCACAG-3'
Protein context (NP_982272.2, residues 1136-1156): SSFQDQKIAS[Met1146Val]FDLTSEYRQQ

ClinVar aggregate classification (germline): Uncertain significance (1 of 4 stars; one submission).

Conditions:
Combined immunodeficiency due to DOCK8 deficiency (HIES2). Also called: HYPER-IgE RECURRENT INFECTION SYNDROME 2, AUTOSOMAL RECESSIVE; HYPER-IgE SYNDROME 2, AUTOSOMAL RECESSIVE, WITH RECURRENT INFECTIONS; HIES autosomal recessive; Hyper-IgE recurrent infection syndrome, autosomal recessive; DOCK8 Deficiency. Identifiers: Orphanet 217390, MedGen C4722305, MONDO:0009478, OMIM 243700.

Submission:

Labcorp Genetics (formerly Invitae), Labcorp
Classification: Uncertain significance for Combined immunodeficiency due to DOCK8 deficiency. Last evaluated: 2024-09-17. Review status: criteria provided, single submitter. Criteria: Invitae Variant Classification Sherloc (09022015). Collection method: clinical testing. Allele origin: germline.
Comment: This sequence change replaces methionine, which is neutral and non-polar, with valine, which is neutral and non-polar, at codon 1146 of the DOCK8 protein (p.Met1146Val). This variant is not present in population databases (gnomAD no frequency). This variant has not been reported in the literature in individuals affected with DOCK8-related conditions. Invitae Evidence Modeling of protein sequence and biophysical properties (such as structural, functional, and spatial information, amino acid conservation, physicochemical variation, residue mobility, and thermodynamic stability) indicates that this missense variant is not expected to disrupt DOCK8 protein function with a negative predictive value of 80%. In summary, the available evidence is currently insufficient to determine the role of this variant in disease. Therefore, it has been classified as a Variant of Uncertain Significance.